The following is an entry in ClinVar:

ClinVar aggregate classification (germline): Likely pathogenic (1 of 4 stars; one submission).

Conditions:
TCF12-related craniosynostosis. Also called: Craniosynostosis 3. Identifiers: Orphanet 35098, Orphanet 35099, Orphanet 672979, MedGen C3715051, MONDO:0014128, OMIM 615314.

Submission:

MVZ Medizinische Genetik Mainz
Classification: Likely pathogenic for TCF12-related craniosynostosis. Last evaluated: 2025-07-24. Review status: criteria provided, single submitter. Criteria: UK Practice Guidelines For Variant Classification V4 01 2020. Collection method: clinical testing. Allele origin: germline. Inheritance: Autosomal dominant inheritance. Affected: yes. Observed: 1 variant allele.
Comment: ACMG Criteria: PVS1,PM2_SUP

NM_207037.2(TCF12):c.1790_1793del (p.Glu597fs)

Gene: TCF12 (transcription factor 12; plus strand). Cytogenetic location: 15q21.3.
Variant type: Deletion.
Coding change: c.1790_1793del on transcript NM_207037.2 (MANE Select); coding-DNA positions 1790 to 1793, 4 bases deleted (AAAG; older notation c.1790_1793delAAAG).
Protein change: p.Glu597fs; shifts the reading frame from glutamic acid 597.
Molecular consequence: frameshift variant.
Genome position (GRCh38, 1-based): chr15:57,273,074-57,273,077, AAAG deleted; deleting any 4 consecutive bases within chr15:57,273,072-57,273,077 gives the same sequence; the c. name uses the placement nearest the transcript's 3' end. VCF-style (leftmost placement, unchanged base first): chr15-57273071-TAGAA-T. GRCh37 (hg19) VCF-style: chr15-57565269-TAGAA-T.
Other names: c.1280_1283del, p.Glu427fs (NM_001306219.3); c.1010_1013del, p.Glu337fs (NM_001306220.3); c.1790_1793del, p.Glu597fs (NM_001322151.2, NM_001322159.3, NM_001322162.2 and 1 more transcripts); c.1787_1790del, p.Glu596fs (NM_001322152.2, NM_001322161.2); c.1133_1136del, p.Glu378fs (NM_001322154.2); c.1616_1619del, p.Glu539fs (NM_001322156.2); c.1718_1721del, p.Glu573fs (NM_001322157.3, NM_001322165.2, NM_003205.4 and 1 more transcripts); c.1544_1547del, p.Glu515fs (NM_001322158.2); and 2 more; short protein forms E337fs, E378fs, E403fs, E427fs, E515fs, E539fs, E573fs, E585fs.
Identifiers: ClinVar variation 4077085 (VCV004077085.1).
Genomic context (GRCh38, chr15:57,273,071, plus strand): 5'-TTGTTACTTTATTTTCTAGCAGTACTAATGAAGATGAGGATTTGAACCCTGAACAGAAGA[TAGAA>T]AGGGAGAAGGAGAGGCGGATGGCTAACAATGCCAGAGAACGCTTACGCGTGCGGGATATT-3'